The following is an entry in ClinVar:

NC_000001.10:g.(?_103449602)_(104094402_?)del

Genes: COL11A1 (collagen type XI alpha 1 chain; minus strand), RNPC3 (RNA binding region (RNP1, RRM) containing 3; plus strand). Cytogenetic location: 1p21.1.
Variant type: Deletion.
Identifiers: ClinVar variation 1454694 (VCV001454694.5).

ClinVar aggregate classification (germline): Pathogenic (1 of 4 stars; one submission).

Submission:

Labcorp Genetics (formerly Invitae), Labcorp
Classification: Pathogenic. Last evaluated: 2023-01-26. Review status: criteria provided, single submitter. Criteria: Invitae Variant Classification Sherloc (09022015). Collection method: clinical testing. Allele origin: germline.
Comment: For these reasons, this variant has been classified as Pathogenic. This variant has not been reported in the literature in individuals affected with COL11A1-related conditions. This variant is a gross deletion of the genomic region encompassing exon(s) 1-31 of the COL11A1 gene, which includes the initiator codon. This deletion extends beyond the assayed region for this gene and therefore may encompass additional genes. It is expected to result in an absent or disrupted protein product. Loss-of-function variants in COL11A1 are known to be pathogenic (PMID: 20513134, 21035103, 23922384, 25240749, 32427345, 32756486).

Literature cited by the submitters: PubMed 20513134; PubMed 21035103; PubMed 23922384; PubMed 25240749; PubMed 32427345; PubMed 32756486.